The following is an entry in ClinVar:

ClinVar aggregate classification (germline): Benign/Likely benign. Review status: criteria provided, multiple submitters, no conflicts (2 of 4 stars). 5 submissions from 5 submitters: Benign (4); Likely benign (1). Last evaluated 2026-01-06.

Conditions:
Spastic ataxia 4. Identifiers: Orphanet 254343, MedGen C3150925, MONDO:0013354, OMIM 613672.

Allele frequency attached by ClinVar (database versions not stated): gnomAD exomes 0.00116 and 0.00196; TOPMed 0.00139; 1000 Genomes Project 0.00140; 1000 Genomes Project 30x 0.00141; gnomAD 0.00160 and 0.00164; ESP Exome Variant Server 0.00177; ExAC 0.00179.

Submissions (5):

Labcorp Genetics (formerly Invitae), Labcorp
Classification: Benign. Last evaluated: 2026-01-06. Review status: criteria provided, single submitter. Criteria: Invitae Variant Classification Sherloc (09022015). Collection method: clinical testing. Allele origin: germline.

Genomic Medicine Center of Excellence, King Faisal Specialist Hospital and Research Centre
Classification: Likely benign. Last evaluated: 2025-08-18. Review status: criteria provided, single submitter. Criteria: ACMG Guidelines, 2015. Collection method: clinical testing. Allele origin: germline.

Genome-Nilou Lab
Classification: Benign for Spastic ataxia 4. Last evaluated: 2021-09-05. Review status: criteria provided, single submitter. Criteria: ACMG Guidelines, 2015. Collection method: clinical testing. Allele origin: germline. Affected: no.

GeneDx
Classification: Benign. Last evaluated: 2014-03-18. Review status: criteria provided, single submitter. Criteria: GeneDx Variant Classification (06012015). Collection method: clinical testing. Allele origin: germline. Affected: yes.
Comment: This variant is considered likely benign or benign based on one or more of the following criteria: it is a conservative change, it occurs at a poorly conserved position in the protein, it is predicted to be benign by multiple in silico algorithms, and/or has population frequency not consistent with disease.

Breakthrough Genomics
Classification: Benign. Review status: criteria provided, single submitter. Criteria: ACMG Guidelines, 2015. Collection method: not provided. Allele origin: germline. Inheritance: Autosomal recessive inheritance. Affected: yes.

NM_018109.4(MTPAP):c.157+20C>T

Genes: MTPAP (mitochondrial poly(A) polymerase; minus strand), LOC130003597 (ATAC-STARR-seq lymphoblastoid active region 3206; plus strand). Cytogenetic location: 10p11.23.
Variant type: single nucleotide variant.
Coding change: c.157+20C>T on transcript NM_018109.4 (MANE Select); 20 bases into the intron after coding-DNA position 157, C replaced by T.
Molecular consequence: intron variant.
Genome position (GRCh38, 1-based): chr10:30,349,099, G>A on the plus strand (C>T on the coding strand, the complement: MTPAP is on the minus strand). VCF-style: chr10-30349099-G-A. GRCh37 (hg19) VCF-style: chr10-30638028-G-A.
Identifiers: ClinVar variation 138280 (VCV000138280.13), dbSNP rs191816760, ClinGen allele CA292203.